The following is an entry in ClinVar:

ClinVar aggregate classification (germline): Uncertain significance (1 of 4 stars; one submission).

Submission:

Ambry Genetics
Classification: Uncertain significance. Last evaluated: 2024-11-24. Review status: criteria provided, single submitter. Criteria: Ambry Variant Classification Scheme 2023. Collection method: clinical testing. Allele origin: germline.
Comment: The p.F271L variant (also known as c.813T>G), located in coding exon 6 of the RINT1 gene, results from a T to G substitution at nucleotide position 813. The phenylalanine at codon 271 is replaced by leucine, an amino acid with highly similar properties. This amino acid position is conserved. In addition, this alteration is predicted to be tolerated by in silico analysis. Based on the available evidence, the clinical significance of this variant remains unclear.

NM_021930.6(RINT1):c.813T>G (p.Phe271Leu)

Gene: RINT1 (RAD50 interactor 1; plus strand). Cytogenetic location: 7q22.3.
Variant type: single nucleotide variant.
Coding change: c.813T>G on transcript NM_021930.6 (MANE Select); coding-DNA position 813, T replaced by G.
Protein change: p.Phe271Leu; replaces phenylalanine 271 with leucine.
Molecular consequence: missense variant. On other transcripts: 5 prime UTR variant (2), non-coding transcript variant (1), intron variant (1).
Genome position (GRCh38, 1-based): chr7:105,547,307, T>G. VCF-style: chr7-105547307-T-G. GRCh37 (hg19) VCF-style: chr7-105187754-T-G.
Other names: c.579T>G, p.Phe193Leu (NM_001346599.2); c.-207T>G (NM_001346600.2); c.-110T>G (NM_001346601.2); c.-27-2748T>G (NM_001346603.2); short protein forms F271L, F193L.
Identifiers: ClinVar variation 3433544 (VCV003433544.1).
Genomic context (GRCh38, chr7:105,547,307, plus strand): 5'-TGTTGGCTTAAGTCGACCTGCCAGTGCCCCGGAGATATACAGTTACCTGGAGACACTGTT[T>G]TGTCAGCTTTTGAAACTACAAACCTCGTATCTTTGTTGCAGCTGAAAACTTACTAAAATT-3'
Protein context (NP_068749.3, residues 261-281): PEIYSYLETL[Phe271Leu]CQLLKLQTSD